The following is an entry in ClinVar:

ClinVar aggregate classification (germline): Likely pathogenic (1 of 4 stars; one submission).

Conditions:
Hereditary antithrombin deficiency (AT3D). Also called: Reduced antithrombin III activity; Antithrombin deficiency; Antithrombin III deficiency; Thrombophilia due to antithrombin III deficiency. Identifiers: Orphanet 82, MedGen C0272375, MONDO:0013144, OMIM 613118, HP:0001976.

Submission:

Labcorp Genetics (formerly Invitae), Labcorp
Classification: Likely pathogenic for Hereditary antithrombin deficiency. Last evaluated: 2023-11-20. Review status: criteria provided, single submitter. Criteria: Invitae Variant Classification Sherloc (09022015). Collection method: clinical testing. Allele origin: germline.
Comment: This sequence change falls in intron 1 of the SERPINC1 gene. It does not directly change the encoded amino acid sequence of the SERPINC1 protein. It affects a nucleotide within the consensus splice site. This variant is not present in population databases (gnomAD no frequency). This variant has been observed in individual(s) with antithrombin III deficiency and/or hereditary antithrombin deficiency (PMID: 10077734; Invitae). Variants that disrupt the consensus splice site are a relatively common cause of aberrant splicing (PMID: 17576681, 9536098). Algorithms developed to predict the effect of sequence changes on RNA splicing suggest that this variant may disrupt the consensus splice site. In summary, the currently available evidence indicates that the variant is pathogenic, but additional data are needed to prove that conclusively. Therefore, this variant has been classified as Likely Pathogenic.

Literature cited by the submitters: PubMed 10077734; PubMed 17576681; PubMed 9536098.

NM_000488.4(SERPINC1):c.41+5G>A

Gene: SERPINC1 (serpin family C member 1; minus strand). Cytogenetic location: 1q25.1.
Variant type: single nucleotide variant.
Coding change: c.41+5G>A on transcript NM_000488.4 (MANE Select); 5 bases into the intron after coding-DNA position 41, G replaced by A.
Molecular consequence: intron variant.
Genome position (GRCh38, 1-based): chr1:173,917,214, C>T on the plus strand (G>A on the coding strand, the complement: SERPINC1 is on the minus strand). VCF-style: chr1-173917214-C-T. GRCh37 (hg19) VCF-style: chr1-173886352-C-T.
Other names: c.24+22G>A (NM_001386303.1); c.41+5G>A (NM_001386306.1, NM_001386304.1, NM_001386305.1 and 1 more transcripts); c.-273+5G>A (NM_001365052.2).
Identifiers: ClinVar variation 2734046 (VCV002734046.3), dbSNP rs2526612663, ClinGen allele CA2586964455.
Genomic context (GRCh38, chr1:173,917,214, plus strand): 5'-TGTGAGTCCTTTGGAGGTCACAAAACCCAGTAGGGGCAGGCAAGGGGAAAGCTCACCCCT[C>T]TTACCTTTTTCCAGAGGTTACAGTTCCTATCACATTGGAATACATGGCCGCTAATCTTCC-3'